The following is an entry in ClinVar:

ClinVar aggregate classification (germline): Uncertain significance. Review status: criteria provided, multiple submitters, no conflicts (2 of 4 stars). 2 submissions from 2 submitters: Uncertain significance (2). Last evaluated 2025-02-17.

Conditions:
Cardiomyopathy (CMYO). Also called: Cardiomyopathies. Identifiers: Orphanet 167848, MedGen C0878544, MONDO:0004994, HP:0001638. Inheritance: Various modes of inheritance.
Hypertrophic cardiomyopathy. Also called: HYPERTROPHIC MYOCARDIOPATHY. Identifiers: Orphanet 217569, MedGen C0007194, MeSH D002312, MONDO:0005045, HP:0001639.

Submissions (2):

Color Diagnostics, LLC DBA Color Health
Classification: Uncertain significance for Cardiomyopathy. Last evaluated: 2025-02-17. Review status: criteria provided, single submitter. Criteria: ACMG Guidelines, 2015. Collection method: clinical testing. Allele origin: germline.
Comment: This missense variant replaces arginine with cysteine at codon 1136 of the MYH7 protein. Computational prediction suggests that this variant may have a deleterious impact on protein structure and function. To our knowledge, functional studies have not been reported for this variant. This variant has not been reported in individuals affected with MYH7-related disorders in the literature. This variant has not been identified in the general population by the Genome Aggregation Database (gnomAD). The available evidence is insufficient to determine the role of this variant in disease conclusively. Therefore, this variant is classified as a Variant of Uncertain Significance.

Labcorp Genetics (formerly Invitae), Labcorp
Classification: Uncertain significance for Hypertrophic cardiomyopathy. Last evaluated: 2024-04-23. Review status: criteria provided, single submitter. Criteria: Invitae Variant Classification Sherloc (09022015). Collection method: clinical testing. Allele origin: germline.
Comment: This sequence change replaces arginine, which is basic and polar, with cysteine, which is neutral and slightly polar, at codon 1136 of the MYH7 protein (p.Arg1136Cys). This variant is not present in population databases (gnomAD no frequency). This variant has not been reported in the literature in individuals affected with MYH7-related conditions. ClinVar contains an entry for this variant (Variation ID: 568292). Advanced modeling of protein sequence and biophysical properties (such as structural, functional, and spatial information, amino acid conservation, physicochemical variation, residue mobility, and thermodynamic stability) performed at Invitae indicates that this missense variant is expected to disrupt MYH7 protein function with a positive predictive value of 95%. In summary, the available evidence is currently insufficient to determine the role of this variant in disease. Therefore, it has been classified as a Variant of Uncertain Significance.

NM_000257.4(MYH7):c.3406C>T (p.Arg1136Cys)

Gene: MYH7 (myosin heavy chain 7; minus strand). Cytogenetic location: 14q11.2.
Variant type: single nucleotide variant.
Coding change: c.3406C>T on transcript NM_000257.4 (MANE Select); coding-DNA position 3406, C replaced by T.
Protein change: p.Arg1136Cys; replaces arginine 1136 with cysteine.
Molecular consequence: missense variant.
Genome position (GRCh38, 1-based): chr14:23,420,165, G>A on the plus strand (C>T on the coding strand, the complement: MYH7 is on the minus strand). VCF-style: chr14-23420165-G-A. GRCh37 (hg19) VCF-style: chr14-23889374-G-A.
Other names: short protein forms R1136C.
Identifiers: ClinVar variation 568292 (VCV000568292.9), dbSNP rs1204782115, ClinGen allele CA389043990.